The following is an entry in ClinVar:

ClinVar aggregate classification (germline): Uncertain significance (1 of 4 stars; one submission).

Conditions:
Catecholaminergic polymorphic ventricular tachycardia 1. Also called: RYR2-Related Catecholaminergic Polymorphic Ventricular Tachycardia; VENTRICULAR TACHYCARDIA, STRESS-INDUCED POLYMORPHIC 1; VENTRICULAR TACHYCARDIA, CATECHOLAMINERGIC POLYMORPHIC, 1, WITH OR WITHOUT ATRIAL DYSFUNCTION AND/OR DILATED CARDIOMYOPATHY. Identifiers: Orphanet 3286, MedGen C1631597, MONDO:0011484, OMIM 604772.

Submission:

Labcorp Genetics (formerly Invitae), Labcorp
Classification: Uncertain significance for Catecholaminergic polymorphic ventricular tachycardia 1. Last evaluated: 2025-06-30. Review status: criteria provided, single submitter. Criteria: Invitae Variant Classification Sherloc (09022015). Collection method: clinical testing. Allele origin: germline.
Comment: This sequence change replaces methionine, which is neutral and non-polar, with valine, which is neutral and non-polar, at codon 964 of the RYR2 protein (p.Met964Val). This variant is not present in population databases (gnomAD no frequency). This variant has not been reported in the literature in individuals affected with RYR2-related conditions. Invitae Evidence Modeling of protein sequence and biophysical properties (such as structural, functional, and spatial information, amino acid conservation, physicochemical variation, residue mobility, and thermodynamic stability) indicates that this missense variant is not expected to disrupt RYR2 protein function with a negative predictive value of 95%. In summary, the available evidence is currently insufficient to determine the role of this variant in disease. Therefore, it has been classified as a Variant of Uncertain Significance.

NM_001035.3(RYR2):c.2890A>G (p.Met964Val)

Gene: RYR2 (ryanodine receptor 2; plus strand). Cytogenetic location: 1q43.
Variant type: single nucleotide variant.
Coding change: c.2890A>G on transcript NM_001035.3 (MANE Select); coding-DNA position 2890, A replaced by G.
Protein change: p.Met964Val; replaces methionine 964 with valine.
Molecular consequence: missense variant.
Genome position (GRCh38, 1-based): chr1:237,530,494, A>G. VCF-style: chr1-237530494-A-G. GRCh37 (hg19) VCF-style: chr1-237693794-A-G.
Other names: short protein forms M964V.
Identifiers: ClinVar variation 4699639 (VCV004699639.1).